The following is an entry in ClinVar:

ClinVar aggregate classification (germline): Conflicting classifications of pathogenicity. Review status: criteria provided, conflicting classifications (1 of 4 stars). 4 submissions from 4 submitters: Likely pathogenic (3); Uncertain significance (1). Last evaluated 2024-10-29.

Conditions:
Ataxia-telangiectasia-like disorder (ATLD). Identifiers: MedGen C1858391, MONDO:0011457.
Hereditary cancer-predisposing syndrome. Also called: Hereditary neoplastic syndrome; Neoplastic Syndromes, Hereditary; Hereditary Cancer Syndrome; Tumor predisposition. Identifiers: Orphanet 140162, MedGen C0027672, MeSH D009386, MONDO:0015356.
Ataxia-telangiectasia-like disorder 1 (ATLD1). Identifiers: Orphanet 251347, MedGen C4012790, MONDO:0024557, OMIM 604391.

Submissions (4):

Ambry Genetics
Classification: Likely pathogenic for Hereditary cancer-predisposing syndrome. Last evaluated: 2024-10-29. Review status: criteria provided, single submitter. Criteria: Ambry Variant Classification Scheme 2023. Collection method: clinical testing. Allele origin: germline.
Comment: The c.21-6_26del12 variant, which spans part of coding exon 2 of the MRE11A gene, results from a deletion of 12 nucleotides between positions 21-6 and 26, and removes the canonical splice acceptor sequence at c.21-2_-1. This alteration has been previously reported as a splicing mutation detected in a breast/ovarian cancer family (Walsh T et al. Proc. Natl. Acad. Sci. U.S.A. 2011;108:18032-7). In silico splice site analysis predicts that this alteration will result in the creation or strengthening of a novel splice acceptor site. RNA studies have demonstrated that this alteration results in abnormal splicing in the set of samples tested (Ambry internal data). Alterations that disrupt the canonical splice site are expected to cause aberrant splicing, resulting in an abnormal protein or a transcript that is subject to nonsense-mediated mRNA decay. As such, this alteration is classified as likely pathogenic.

Baylor Genetics
Classification: Likely pathogenic for Ataxia-telangiectasia-like disorder 1. Last evaluated: 2024-03-23. Review status: criteria provided, single submitter. Criteria: ACMG Guidelines, 2015. Collection method: clinical testing. Allele origin: unknown.

Labcorp Genetics (formerly Invitae), Labcorp
Classification: Likely pathogenic for Ataxia-telangiectasia-like disorder. Last evaluated: 2023-05-11. Review status: criteria provided, single submitter. Criteria: Invitae Variant Classification Sherloc (09022015). Collection method: clinical testing. Allele origin: germline.
Comment: ClinVar contains an entry for this variant (Variation ID: 127979). This variant has been observed in individual(s) with ovarian and colorectal cancer (PMID: 22006311, 27329137). This variant is present in population databases (rs587780138, gnomAD 0.003%). This variant results in the deletion of part of exon 3 (c.21-6_26del) of the MRE11 gene. It is expected to disrupt RNA splicing. Variants that disrupt the donor or acceptor splice site typically lead to a loss of protein function (PMID: 16199547), and loss-of-function variants in MRE11 are known to be pathogenic (PMID: 23080121, 23912341). In summary, the currently available evidence indicates that the variant is pathogenic, but additional data are needed to prove that conclusively. Therefore, this variant has been classified as Likely Pathogenic. Algorithms developed to predict the effect of sequence changes on RNA splicing suggest that this variant may disrupt the consensus splice site.

University of Washington Department of Laboratory Medicine, University of Washington
Classification: Uncertain significance for Hereditary cancer-predisposing syndrome. Last evaluated: 2015-11-20. Review status: criteria provided, single submitter. Criteria: Shirts et al. (Genet Med 2016). Collection method: clinical testing. Allele origin: germline. Affected: no. Observed: 1 variant allele.

Literature cited by the submitters: PubMed 22006311 (cited by Ambry Genetics and Labcorp Genetics (formerly Invitae), Labcorp); PubMed 27329137 (cited by Ambry Genetics and Labcorp Genetics (formerly Invitae), Labcorp); PubMed 16199547 (cited by Labcorp Genetics (formerly Invitae), Labcorp); PubMed 23080121 (cited by Labcorp Genetics (formerly Invitae), Labcorp); PubMed 23912341 (cited by Labcorp Genetics (formerly Invitae), Labcorp).

NM_005591.4(MRE11):c.21-6_26del

Gene: MRE11 (MRE11 double strand break repair nuclease; minus strand). Cytogenetic location: 11q21.
Variant type: Deletion.
Coding change: c.21-6_26del on transcript NM_005591.4 (MANE Select); 6 bases into the intron before coding-DNA position 21 through coding-DNA position 26, 12 bases deleted (ATATAGTGATGA).
Molecular consequence: splice acceptor variant.
Genome position (GRCh38, 1-based): chr11:94,490,960-94,490,971, TCATCACTATAT deleted on the plus strand (ATATAGTGATGA on the coding strand, the reverse complement: MRE11 is on the minus strand); deleting any 12 consecutive bases within chr11:94,490,960-94,490,972 gives the same sequence; the c. name uses the placement nearest the transcript's 3' end. VCF-style (leftmost placement, unchanged base first): chr11-94490959-ATCATCACTATAT-A. GRCh37 (hg19) VCF-style: chr11-94224125-ATCATCACTATAT-A.
Other names: c.21-6_26del (NM_001330347.2, NM_005590.4).
Identifiers: ClinVar variation 127979 (VCV000127979.24), dbSNP rs587780138, ClinGen allele CA288173.